The following is an entry in ClinVar:

ClinVar aggregate classification (germline): Conflicting classifications of pathogenicity. Review status: criteria provided, conflicting classifications (1 of 4 stars). 6 submissions from 6 submitters: Uncertain significance (1); Likely benign (4). 1 of the submissions does not count toward it. Last evaluated 2026-01-15.

Conditions:
PIGT-related disorder.
Inborn genetic diseases. Identifiers: MedGen C0950123, MeSH D030342.
Multiple congenital anomalies-hypotonia-seizures syndrome 3 (MCAHS3). Also called: GLYCOSYLPHOSPHATIDYLINOSITOL BIOSYNTHESIS DEFECT 7. Identifiers: Orphanet 369837, MedGen C3809356, MONDO:0014165, OMIM 615398.

Allele frequency attached by ClinVar (database versions not stated): 1000 Genomes Project 0.00080; 1000 Genomes Project 30x 0.00094; ExAC 0.00152; gnomAD exomes 0.00180; gnomAD 0.00196 and 0.00215; TOPMed 0.00237; ESP Exome Variant Server 0.00254.

Submissions (10):

Labcorp Genetics (formerly Invitae), Labcorp
Classification: Likely benign for Multiple congenital anomalies-hypotonia-seizures syndrome 3. Last evaluated: 2026-01-15. Review status: criteria provided, single submitter. Criteria: Invitae Variant Classification Sherloc (09022015). Collection method: clinical testing. Allele origin: germline.

CeGaT Center for Human Genetics Tuebingen
Classification: Likely benign. Last evaluated: 2024-10-01. Review status: criteria provided, single submitter. Criteria: CeGaT Center For Human Genetics Tuebingen Variant Classification Criteria Version 2. Collection method: clinical testing. Allele origin: germline. Affected: yes. Observed: 5 variant alleles.
Comment: PIGT: BS2

Ambry Genetics
Classification: Likely benign for Inborn genetic diseases. Last evaluated: 2021-09-01. Review status: criteria provided, single submitter. Criteria: Ambry Variant Classification Scheme 2023. Collection method: clinical testing. Allele origin: germline.

GeneDx
Classification: Likely benign. Last evaluated: 2021-05-12. Review status: criteria provided, single submitter. Criteria: GeneDx Variant Classification Process June 2021. Collection method: clinical testing. Allele origin: germline. Affected: yes.

Genomic Diagnostic Laboratory, Division of Genomic Diagnostics, Children's Hospital of Philadelphia
Classification: Uncertain significance. Last evaluated: 2015-10-16. Review status: criteria provided, single submitter. Criteria: DGD Variant Analysis Guidelines. Collection method: clinical testing. Allele origin: unknown.

PreventionGenetics, part of Exact Sciences
Classification: Likely benign for PIGT-related condition. Last evaluated: 2019-07-24. Review status: no assertion criteria provided. Collection method: clinical testing. Allele origin: germline. Not counted in ClinVar's aggregate classification.
Comment: This variant is classified as likely benign based on ACMG/AMP sequence variant interpretation guidelines (Richards et al. 2015 PMID: 25741868, with internal and published modifications).

Dr. Peter K. Rogan Lab, Western University
No classification provided (evidence only). Condition: Malignant tumor of urinary bladder. Review status: no classification provided. Collection method: in vitro. Allele origin: not applicable. Functional consequence: retained intron. Not counted in ClinVar's aggregate classification.

Dr. Peter K. Rogan Lab, Western University
No classification provided (evidence only). Condition: Malignant tumor of urinary bladder. Review status: no classification provided. Collection method: in vitro. Allele origin: not applicable. Functional consequence: skipped exon, retained intron. Not counted in ClinVar's aggregate classification.

Dr. Peter K. Rogan Lab, Western University
No classification provided (evidence only). Condition: Malignant tumor of urinary bladder. Review status: no classification provided. Collection method: in vitro. Allele origin: not applicable. Functional consequence: retained intron. Not counted in ClinVar's aggregate classification.

Dr. Peter K. Rogan Lab, Western University
No classification provided (evidence only). Condition: Malignant tumor of urinary bladder. Review status: no classification provided. Collection method: in vitro. Allele origin: not applicable. Functional consequence: retained intron. Not counted in ClinVar's aggregate classification.

NM_015937.6(PIGT):c.1067G>A (p.Arg356Gln)

Gene: PIGT (phosphatidylinositol glycan anchor biosynthesis class T; plus strand). Cytogenetic location: 20q13.12.
Variant type: single nucleotide variant.
Coding change: c.1067G>A on transcript NM_015937.6 (MANE Select); coding-DNA position 1067, G replaced by A.
Protein change: p.Arg356Gln; replaces arginine 356 with glutamine.
Molecular consequence: missense variant. On other transcripts: non-coding transcript variant (5), intron variant (1).
Genome position (GRCh38, 1-based): chr20:45,421,416, G>A. VCF-style: chr20-45421416-G-A. GRCh37 (hg19) VCF-style: chr20-44050056-G-A.
Other names: c.1067G>A (NM_015937.4); c.899G>A, p.Arg300Gln (NM_001184728.3); c.761G>A, p.Arg254Gln (NM_001184730.3); c.1033+723G>A (NM_001184729.3); short protein forms R356Q, R254Q, R300Q.
Identifiers: ClinVar variation 252703 (VCV000252703.41), dbSNP rs139366969, ClinGen allele CA9878158.